The following is an entry in ClinVar:

NM_018489.3(ASH1L):c.6267del (p.Thr2090fs)

Gene: ASH1L (ASH1 like histone lysine methyltransferase; minus strand). Cytogenetic location: 1q22.
Variant type: Deletion.
Coding change: c.6267del on transcript NM_018489.3 (MANE Select); coding-DNA position 6267, one base deleted (C; older notation c.6267delC).
Protein change: p.Thr2090fs; shifts the reading frame from threonine 2090.
Molecular consequence: frameshift variant.
Genome position (GRCh38, 1-based): chr1:155,378,346, G deleted on the plus strand (C on the coding strand, the reverse complement: ASH1L is on the minus strand); the first of 2 consecutive G bases (chr1:155,378,346-155,378,347); deleting either gives the same sequence. VCF-style (leftmost placement, unchanged base first): chr1-155378345-TG-T. GRCh37 (hg19) VCF-style: chr1-155348136-TG-T.
Other names: c.6282del, p.Thr2095fs (NM_001366177.2); short protein forms T2090fs, T2095fs.
Identifiers: ClinVar variation 4294313 (VCV004294313.1).

ClinVar aggregate classification (germline): Pathogenic (1 of 4 stars; one submission).

Conditions:
Intellectual developmental disorder, autosomal dominant 52. Also called: Intellectual disability, autosomal dominant 52; Mental retardation, autosomal dominant 52. Identifiers: MedGen C4540478, MONDO:0030918, OMIM 617796.

Submission:

Clinical Genomic Analysis (GENYSIS) Core, University of North Carolina at Chapel Hill
Classification: Pathogenic for Intellectual developmental disorder, autosomal dominant 52. Last evaluated: 2025-09-25. Review status: criteria provided, single submitter. Criteria: ACMG Guidelines, 2015. Collection method: research. Allele origin: de novo. Affected: yes. Observed: 1 heterozygote. Study: UNC Genetic Determinants of Neurological and Developmental Disorders (GDNDD) Study.
Comment: ASH1L c.6267del; p.(Thr2090ProfsTer23), is a single nucleotide deletion in exon 10 of 28 that is predicted to result in a frameshift, premature protein truncation, and loss of protein function. This variant has not previously been reported in the literature or ClinVar and is not present in control individuals in gnomADv4.1. This variant is therefore classified as pathogenic. ACMG codes: PVS1 (null variant), PS2 (confirmed de novo), PM2_Supporting (absent from gnomAD).